The following is an entry in ClinVar:

NM_006744.4(RBP4):c.569-1G>A

Gene: RBP4 (retinol binding protein 4; minus strand). Cytogenetic location: 10q23.33.
Variant type: single nucleotide variant.
Coding change: c.569-1G>A on transcript NM_006744.4 (MANE Select); the canonical splice acceptor site of the intron before coding-DNA position 569, G replaced by A.
Molecular consequence: splice acceptor variant.
Genome position (GRCh38, 1-based): chr10:93,592,113, C>T on the plus strand (G>A on the coding strand, the complement: RBP4 is on the minus strand). VCF-style: chr10-93592113-C-T. GRCh37 (hg19) VCF-style: chr10-95351870-C-T.
Other names: c.563-1G>A (NM_001323518.2); c.569-1G>A (NM_001323517.1).
Identifiers: ClinVar variation 929566 (VCV000929566.2), dbSNP rs2058270689, ClinGen allele CA377613752.
Genomic context (GRCh38, chr10:93,592,113, plus strand): 5'-TGAAACTAGATTCTTGATATTGCTACAAAAGGTTTCTTTCTGATCTGCCATCGCAGTAAC[C>T]TGGAAAATACAAAACAAAGCCATTAACGACAGAAAGTGGACCCAGTTTTTATGTAGATAA-3'

ClinVar aggregate classification (germline): Likely pathogenic (1 of 4 stars; one submission).

Conditions:
Microphthalmia, isolated, with coloboma 10 (MCOPCB10). Also called: MICROPHTHALMIA/COLOBOMA 10. Identifiers: Orphanet 98938, MedGen C4225330, MONDO:0014635, OMIM 616428.

Submission:

Genetics Department, University Hospital of Toulouse
Classification: Likely pathogenic for Microphthalmia, isolated, with coloboma 10. Last evaluated: 2020-05-15. Review status: criteria provided, single submitter. Criteria: ACMG Guidelines, 2015. Collection method: clinical testing. Allele origin: germline. Affected: yes. Observed: 1 variant allele.
Comment: This null variant affecting RBP4 gene c.569-1G>A, p.? was never reported in the literature and is absent from GnomAD.